The following is an entry in ClinVar:

ClinVar aggregate classification (germline): Likely benign (1 of 4 stars; one submission).

Allele frequency attached by ClinVar (database versions not stated): TOPMed 0.00005; gnomAD 0.00011; 1000 Genomes Project 0.00040; 1000 Genomes Project 30x 0.00047; ExAC 0.00049.
gnomAD v4.1: 367 of 1,613,808 alleles (0.023%); highest among the groups gnomAD compares: South Asian, 0.25%; 3 homozygotes.

Submission:

CeGaT Center for Human Genetics Tuebingen
Classification: Likely benign. Last evaluated: 2022-04-01. Review status: criteria provided, single submitter. Criteria: CeGaT Center For Human Genetics Tuebingen Variant Classification Criteria Version 2. Collection method: clinical testing. Allele origin: germline. Affected: yes. Observed: 1 variant allele.
Comment: FREY1: BP4

NM_001080446.3(FREY1):c.124G>C (p.Ala42Pro)

Gene: FREY1 (Frey regulator of sperm-oocyte fusion 1; minus strand). Cytogenetic location: 11p11.2.
Variant type: single nucleotide variant.
Coding change: c.124G>C on transcript NM_001080446.3 (MANE Select); coding-DNA position 124, G replaced by C.
Protein change: p.Ala42Pro; replaces alanine 42 with proline.
Molecular consequence: missense variant.
Genome position (GRCh38, 1-based): chr11:45,906,920, C>G on the plus strand (G>C on the coding strand, the complement: FREY1 is on the minus strand). VCF-style: chr11-45906920-C-G. GRCh37 (hg19) VCF-style: chr11-45928471-C-G.
Other names: short protein forms A42P.
Identifiers: ClinVar variation 2641735 (VCV002641735.24), dbSNP rs568211499, ClinGen allele CA5959603.